The following is an entry in ClinVar:

ClinVar aggregate classification (germline): Uncertain significance. Review status: criteria provided, multiple submitters, no conflicts (2 of 4 stars). 4 submissions from 4 submitters: Uncertain significance (4). Last evaluated 2024-05-20.

Conditions:
Wrinkly skin syndrome (WSS). Also called: Type of Gerodermia osteodysplastica. Identifiers: Orphanet 2834, MedGen C0406587, MONDO:0010208, OMIM 278250.
Cutis laxa with osteodystrophy (ARCL2A). Also called: CUTIS LAXA, AUTOSOMAL RECESSIVE, TYPE IIA; Debré-Type Cutis Laxa; CUTIS LAXA WITH BONE DYSTROPHY; CUTIS LAXA WITH GROWTH AND DEVELOPMENTAL DELAY; CUTIS LAXA WITH JOINT LAXITY AND RETARDED DEVELOPMENT; Autosomal recessive cutis laxa type 2A. Identifiers: Orphanet 357058, MedGen C0268355, MONDO:0018163, OMIM 219200. Disease mechanism: loss of function.
Inborn genetic diseases. Identifiers: MedGen C0950123, MeSH D030342.
ALG9 congenital disorder of glycosylation (CDG1L). Also called: ALG9-CDG; CONGENITAL DISORDER OF GLYCOSYLATION, TYPE Il; CDG Il. Identifiers: Orphanet 79328, MedGen C2931006, MONDO:0012117, OMIM 608776.

Allele frequency attached by ClinVar (database versions not stated): gnomAD 0.00003 and 0.00004; TOPMed 0.00004; ExAC 0.00007; gnomAD exomes 0.00011.
gnomAD v4.1: 107 of 1,614,004 alleles (0.0066%); highest among the groups gnomAD compares: South Asian, 0.069%; 2 homozygotes.

Submissions (4):

Ambry Genetics
Classification: Uncertain significance for Inborn genetic diseases. Last evaluated: 2024-05-20. Review status: criteria provided, single submitter. Criteria: Ambry Variant Classification Scheme 2023. Collection method: clinical testing. Allele origin: germline.

Labcorp Genetics (formerly Invitae), Labcorp
Classification: Uncertain significance for ALG9 congenital disorder of glycosylation. Last evaluated: 2022-10-08. Review status: criteria provided, single submitter. Criteria: Invitae Variant Classification Sherloc (09022015). Collection method: clinical testing. Allele origin: germline.
Comment: This sequence change replaces arginine, which is basic and polar, with tryptophan, which is neutral and slightly polar, at codon 340 of the ATP6V0A2 protein (p.Arg340Trp). This variant is present in population databases (rs781305219, gnomAD 0.06%). This variant has not been reported in the literature in individuals affected with ATP6V0A2-related conditions. ClinVar contains an entry for this variant (Variation ID: 451817). Advanced modeling of protein sequence and biophysical properties (such as structural, functional, and spatial information, amino acid conservation, physicochemical variation, residue mobility, and thermodynamic stability) performed at Invitae indicates that this missense variant is not expected to disrupt ATP6V0A2 protein function. In summary, the available evidence is currently insufficient to determine the role of this variant in disease. Therefore, it has been classified as a Variant of Uncertain Significance.

Fulgent Genetics
Classification: Uncertain significance for Cutis laxa with osteodystrophy; Wrinkly skin syndrome. Last evaluated: 2018-10-31. Review status: criteria provided, single submitter. Criteria: ACMG Guidelines, 2015. Collection method: clinical testing. Allele origin: unknown.

GeneDx
Classification: Uncertain significance. Last evaluated: 2017-09-07. Review status: criteria provided, single submitter. Criteria: GeneDx Variant Classification (06012015). Collection method: clinical testing. Allele origin: germline. Affected: yes.
Comment: A variant of uncertain significance has been identified in the ATP6V0A2 gene. The R340W variant has not been published as a pathogenic variant, nor has it been reported as a benign variant to our knowledge. The R340W variant is observed in 7/16492 (0.04%) alleles from individuals of South Asian background (Lek et al., 2016; 1000 Genomes Consortium et al., 2015; Exome Variant Server)]. The R340W variant is a non-conservative amino acid substitution, which is likely to impact secondary protein structure as these residues differ in polarity, charge, size and/or other properties. However, this substitution occurs at a position that is not conserved, and in silico analysis is inconsistent in its predictions as to whether or not the variant is damaging to the protein structure/function. Therefore, based on the currently available information, it is unclear whether this variant is a pathogenic variant or a rare benign variant.

NM_012463.4(ATP6V0A2):c.1018C>T (p.Arg340Trp)

Gene: ATP6V0A2 (ATPase H+ transporting V0 subunit a2; plus strand). Cytogenetic location: 12q24.31.
Variant type: single nucleotide variant.
Coding change: c.1018C>T on transcript NM_012463.4 (MANE Select); coding-DNA position 1018, C replaced by T.
Protein change: p.Arg340Trp; replaces arginine 340 with tryptophan.
Molecular consequence: missense variant.
Genome position (GRCh38, 1-based): chr12:123,737,251, C>T. VCF-style: chr12-123737251-C-T. GRCh37 (hg19) VCF-style: chr12-124221798-C-T.
Other names: short protein forms R340W.
Identifiers: ClinVar variation 451817 (VCV000451817.5), dbSNP rs781305219, ClinGen allele CA6861793.